The following is an entry in ClinVar:

NM_001042492.3(NF1):c.587-14T>A

Gene: NF1 (neurofibromin 1; plus strand). Cytogenetic location: 17q11.2.
Variant type: single nucleotide variant.
Coding change: c.587-14T>A on transcript NM_001042492.3 (MANE Select); 14 bases into the intron before coding-DNA position 587, T replaced by A.
Molecular consequence: intron variant.
Genome position (GRCh38, 1-based): chr17:31,181,408, T>A. VCF-style: chr17-31181408-T-A. GRCh37 (hg19) VCF-style: chr17-29508426-T-A.
Other names: c.587-14T>A (NM_000267.4, NM_001128147.3, NM_001042492.2).
Identifiers: ClinVar variation 816723 (VCV000816723.6), dbSNP rs940581106, ClinGen allele CA658760967.

ClinVar aggregate classification (germline): Conflicting classifications of pathogenicity. Review status: criteria provided, conflicting classifications (1 of 4 stars). 5 submissions from 5 submitters: Pathogenic (2); Likely pathogenic (2); Uncertain significance (1). Last evaluated 2024-03-05.

Conditions:
Hereditary cancer-predisposing syndrome. Also called: Neoplastic Syndromes, Hereditary; Hereditary Cancer Syndrome; Hereditary neoplastic syndrome; Tumor predisposition. Identifiers: Orphanet 140162, MedGen C0027672, MeSH D009386, MONDO:0015356.
Cardiovascular phenotype. Identifiers: MedGen CN230736.
Neurofibromatosis, type 1 (NF1). Also called: NEUROFIBROMATOSIS, TYPE I, SOMATIC; Peripheral type neurofibromatosis; VON RECKLINGHAUSEN DISEASE; Neurofibromatosis, type I. Identifiers: Orphanet 636, MedGen C0027831, MONDO:0018975, OMIM 162200. Disease mechanism: loss of function.

Submissions (5):

Ambry Genetics
Classification: Likely pathogenic for Cardiovascular phenotype; Hereditary cancer-predisposing syndrome. Last evaluated: 2024-03-05. Review status: criteria provided, single submitter. Criteria: Ambry Variant Classification Scheme 2023. Collection method: clinical testing. Allele origin: germline.
Comment: The c.587-14T>A intronic variant results from a T to A substitution 14 nucleotides upstream from coding exon 6 in the NF1 gene. This variant was identified in 1 of 565 unrelated French probands with clinical diagnoses or suspicion of NF1, and RT-PCR from blood leukocytes followed by cDNA sequencing showed this variant to result in loss of the acceptor splice site leading to skipping of exon 4c (Sabbagh A et al. Hum Mutat, 2013 Nov;34:1510-8). Another study, using direct cDNA sequencing of NF1 transcripts isolated from puromycin treated short term lymphocyte culture, demonstrated skipping of exon 6 (also known as exon 4c) leading to a frameshift (Wimmer K et al. Hum Mutat, 2020 Jun;41:1145-1156). This nucleotide position is not well conserved in available vertebrate species. In silico splice site analysis predicts that this alteration may result in the creation or strengthening of a novel splice acceptor site. Based on the majority of available evidence to date, this variant is likely to be pathogenic.

Labcorp Genetics (formerly Invitae), Labcorp
Classification: Uncertain significance for Neurofibromatosis, type 1. Last evaluated: 2021-11-23. Review status: criteria provided, single submitter. Criteria: Invitae Variant Classification Sherloc (09022015). Collection method: clinical testing. Allele origin: germline.
Comment: This sequence change falls in intron 5 of the NF1 gene. It does not directly change the encoded amino acid sequence of the NF1 protein. This variant is not present in population databases (gnomAD no frequency). This variant has been observed in individual(s) with clinical features of neurofibromatosis type 1 (PMID: 23913538, 32126153). ClinVar contains an entry for this variant (Variation ID: 816723). Algorithms developed to predict the effect of sequence changes on RNA splicing suggest that this variant may disrupt the consensus splice site. In summary, the available evidence is currently insufficient to determine the role of this variant in disease. Therefore, it has been classified as a Variant of Uncertain Significance.

UAB Medical Genomics Laboratory, UAB Medicine
Classification: Pathogenic for Neurofibromatosis, type 1. Last evaluated: 2020-01-20. Review status: criteria provided, single submitter. Criteria: ACMG Guidelines, 2015. Collection method: clinical testing. Allele origin: germline. Affected: yes.

Clinical Genetics Service, Universitary Hospital 12 de Octubre
Classification: Pathogenic for Neurofibromatosis, type 1. Review status: criteria provided, single submitter. Criteria: ACMG Guidelines, 2015. Collection method: clinical testing. Allele origin: germline. Affected: yes.

Department of Pathology and Laboratory Medicine, Sinai Health System
Classification: Likely pathogenic for neurofibromatosis type 1. Review status: criteria provided, single submitter. Criteria: ACMG Guidelines, 2015. Collection method: clinical testing. Allele origin: germline.

Literature cited by the submitters: PubMed 23913538 (cited by Labcorp Genetics (formerly Invitae), Labcorp); PubMed 32126153 (cited by Labcorp Genetics (formerly Invitae), Labcorp and UAB Medical Genomics Laboratory, UAB Medicine).